The following is an entry in ClinVar:

ClinVar aggregate classification (germline): Uncertain significance (1 of 4 stars; one submission).

Conditions:
Klippel-Feil syndrome 1, autosomal dominant (KFS1). Also called: CERVICAL VERTEBRAL FUSION, AUTOSOMAL DOMINANT. Identifiers: Orphanet 2345, MedGen C1861689, MONDO:0007306, OMIM 118100.
Isolated microphthalmia 4. Identifiers: Orphanet 2542, MedGen C2751307, MONDO:0013130, OMIM 613094.
Microphthalmia, isolated, with coloboma 6 (MCOPCB6). Also called: MICROPHTHALMIA/COLOBOMA 6; Microphthalmia with coloboma 6, digenic; Microphthalmia with coloboma 6. Identifiers: Orphanet 98938, MedGen C3150968, MONDO:0013376, OMIM 613703.
Leber congenital amaurosis 17 (LCA17). Identifiers: Orphanet 65, MedGen C3715164, MONDO:0014145, OMIM 615360.

Submission:

Labcorp Genetics (formerly Invitae), Labcorp
Classification: Uncertain significance for Isolated microphthalmia 4; Leber congenital amaurosis 17; Klippel-Feil syndrome 1, autosomal dominant; Microphthalmia, isolated, with coloboma 6. Last evaluated: 2025-08-25. Review status: criteria provided, single submitter. Criteria: Invitae Variant Classification Sherloc (09022015). Collection method: clinical testing. Allele origin: germline.
Comment: This sequence change replaces leucine, which is neutral and non-polar, with proline, which is neutral and non-polar, at codon 143 of the GDF6 protein (p.Leu143Pro). This variant is not present in population databases (gnomAD no frequency). This variant has not been reported in the literature in individuals affected with GDF6-related conditions. ClinVar contains an entry for this variant (Variation ID: 853665). Invitae Evidence Modeling of protein sequence and biophysical properties (such as structural, functional, and spatial information, amino acid conservation, physicochemical variation, residue mobility, and thermodynamic stability) indicates that this missense variant is not expected to disrupt GDF6 protein function with a negative predictive value of 80%. In summary, the available evidence is currently insufficient to determine the role of this variant in disease. Therefore, it has been classified as a Variant of Uncertain Significance.

NM_001001557.4(GDF6):c.428T>C (p.Leu143Pro)

Gene: GDF6 (growth differentiation factor 6; minus strand). Cytogenetic location: 8q22.1.
Variant type: single nucleotide variant.
Coding change: c.428T>C on transcript NM_001001557.4 (MANE Select); coding-DNA position 428, T replaced by C.
Protein change: p.Leu143Pro; replaces leucine 143 with proline.
Molecular consequence: missense variant.
Genome position (GRCh38, 1-based): chr8:96,145,503, A>G on the plus strand (T>C on the coding strand, the complement: GDF6 is on the minus strand). VCF-style: chr8-96145503-A-G. GRCh37 (hg19) VCF-style: chr8-97157731-A-G.
Other names: short protein forms L143P.
Identifiers: ClinVar variation 853665 (VCV000853665.9), dbSNP rs1812463179, ClinGen allele CA371752932.